The following is an entry in ClinVar:

ClinVar aggregate classification (germline): Likely pathogenic. Review status: reviewed by expert panel (3 of 4 stars). 14 submissions from 14 submitters: Likely pathogenic (1). 13 of the submissions do not count toward it. Last evaluated 2024-12-17.

Conditions:
Glycogen storage disease, type II (IOPD). Also called: Pompe Disease; CARDIOMEGALIA GLYCOGENICA DIFFUSA; GLYCOGENOSIS, GENERALIZED, CARDIAC FORM; GSD II; Glycogen storage disease type 2; Acid maltase deficiency disease. Identifiers: Orphanet 365, MedGen C0017921, MONDO:0009290, OMIM 232300.
GAA-related disorders.

Allele frequency attached by ClinVar (database versions not stated): TOPMed 0.00006; 1000 Genomes Project 30x 0.00016.
gnomAD v4.1: 65 of 1,613,514 alleles (0.004%); highest among the groups gnomAD compares: African/African-American, 0.017%; no homozygotes.

Submissions 1 to 6 of 14:

ClinGen Lysosomal Storage Disorder Variant Curation Expert Panel
Classification: Likely pathogenic for Glycogen storage disease, type II. Last evaluated: 2024-12-17. Review status: reviewed by expert panel. Criteria: clingen_lsd_acmg_specifications_v2-1. Collection method: curation. Allele origin: germline. Inheritance: Autosomal recessive inheritance.
Comment: The NM_000152.5:c.2237G>C variant in GAA is a missense variant predicted to result in the substitution of tryptophan by serine at amino acid 746 (p.Trp746Ser). This variant has been reported in at least 11 patients with late onset Pompe disease (LOPD) (PMID: 18425781, 22081099, 24169249, 28490439, 33344388, 34020684), with two having GAA enzyme activity <10% in muscle (PMID: 22081099) (PP4_Moderate). Expression of the variant in COS or HEK293 cells resulted in 2% residual GAA activity in medium and 0.1% normal activity in cells and evidence of abnormal GAA synthesis and processing, leading to a Class B ("potentially less severe") classification (PMID: 22644586). However, another in vitro study reported the variant as a "relatively mild mutation" but also class E "probably non-pathogenic" (PMID: 23430493). Functional criteria is not applied due to inconsistent functional classification. The highest population minor allele frequency in gnomAD v4.1.0 is 0.0001733 (13/75034) in the African/African American population which is lower than the ClinGen Lysosomal Diseases Variant Curation Expert Panel (LD VCEP) threshold (<0.001) for PM2_Supporting, meeting this criterion (PM2_Supporting). The computational predictor REVEL gives a score of 0.919 which is above the threshold of 0.7, evidence that correlates with impact to GAA function (PP3). A different missense variant c.2238G>C (p.Trp746Cys) on the same amino acid has been classified as pathogenic by the LD VCEP (PM5). There is a ClinVar entry for this variant (Variation ID: 188484; 2 star review status) with 7 submitters classifying the variant as pathogenic and 5 as likely pathogenic. In summary, this variant meets the criteria to be classified as likely pathogenic for Pompe disease. GAA-specific ACMG/AMP criteria met, as specified by the ClinGen LD VCEP (Specifications Version 2.0): PM3, PM5, PP4_Moderate, PP3, PM2_Supporting. (Classification approved by the ClinGen LD VCEP - Dec. 17, 2024).

Genomenon, Inc
Classification: Likely pathogenic for Glycogen storage disease, type II. Last evaluated: 2026-07-01. Review status: criteria provided, single submitter. Criteria: Genomenon Sequence Variant Interpretation Standards - Updated. Collection method: curation. Allele origin: germline. Affected: yes. Not counted in ClinVar's aggregate classification.
Comment: GAA p.Trp746Ser (c.2237G>C) is a missense variant that changes the amino acid at codon 746 from Tryptophan to Serine. This variant has been observed in at least one proband with a GAA-related disorder in the compound heterozygous and/or homozygous state (PMID:37600231;34020684;22081099). Functional studies have been reported (PMID:22644586;23430493). It is absent or not present at a significant frequency in gnomAD. In silico models predict that this variant is possibly or probably damaging. In conclusion, we classify GAA p.Trp746Ser (c.2237G>C) as a likely pathogenic variant.

Labcorp Genetics (formerly Invitae), Labcorp
Classification: Pathogenic for Glycogen storage disease, type II. Last evaluated: 2026-01-18. Review status: criteria provided, single submitter. Criteria: Invitae Variant Classification Sherloc (09022015). Collection method: clinical testing. Allele origin: germline. Not counted in ClinVar's aggregate classification.
Comment: This sequence change replaces tryptophan, which is neutral and slightly polar, with serine, which is neutral and polar, at codon 746 of the GAA protein (p.Trp746Ser). This variant is present in population databases (rs752921215, gnomAD 0.03%). This missense change has been observed in individuals with Pompe disease (PMID: 18425781, 22081099). ClinVar contains an entry for this variant (Variation ID: 188484). Invitae Evidence Modeling of protein sequence and biophysical properties (such as structural, functional, and spatial information, amino acid conservation, physicochemical variation, residue mobility, and thermodynamic stability) indicates that this missense variant is expected to disrupt GAA protein function with a positive predictive value of 95%. Experimental studies have shown that this missense change affects GAA function (PMID: 23430493). This variant disrupts the p.Trp746 amino acid residue in GAA. Other variant(s) that disrupt this residue have been determined to be pathogenic (PMID: 18458862, 21232767, 21757382, 23430493, 25093132, 25526786, 27099502). This suggests that this residue is clinically significant, and that variants that disrupt this residue are likely to be disease-causing. For these reasons, this variant has been classified as Pathogenic.

Natera, Inc.
Classification: Pathogenic for Glycogen storage disease type II. Last evaluated: 2025-12-04. Review status: criteria provided, single submitter. Criteria: Natera Variant Classification Schema (03/2026). Collection method: clinical testing. Allele origin: germline. Not counted in ClinVar's aggregate classification.
Comment: The c.2237G>C variant in GAA is a missense variant predicted to cause substitution of tryptophan to serine at amino acid 746. This variant is rare in the general population with a frequency below the threshold expected for the associated phenotype(s). This variant has been observed in one or more individuals affected with the associated recessive disease, as either homozygous or compound heterozygous with a second variant (PMID: 22081099, 33344388, 37087815). Functional studies show that this variant may disrupt protein function (PMID: 22644586). A different variant at the same position has been determined to be Pathogenic or Likely Pathogenic. Computational prediction algorithms indicate this variant is likely to affect gene or protein function. Given the available evidence, this variant is classified as Pathogenic.

Revvity Omics, Revvity
Classification: Pathogenic. Last evaluated: 2025-05-01. Review status: criteria provided, single submitter. Criteria: ACMG Guidelines, 2015. Collection method: clinical testing. Allele origin: germline. Not counted in ClinVar's aggregate classification.

Blueprint Genetics
Classification: Pathogenic for GAA-related disorders. Last evaluated: 2023-05-24. Review status: criteria provided, single submitter. Criteria: ACMG Guidelines, 2015. Collection method: clinical testing. Allele origin: germline. Affected: yes. Observed: 4 variant alleles. Not counted in ClinVar's aggregate classification.

NM_000152.5(GAA):c.2237G>C (p.Trp746Ser)

Gene: GAA (alpha glucosidase; plus strand). Cytogenetic location: 17q25.3.
Variant type: single nucleotide variant.
Coding change: c.2237G>C on transcript NM_000152.5 (MANE Select); coding-DNA position 2237, G replaced by C.
Protein change: p.Trp746Ser; replaces tryptophan 746 with serine.
Molecular consequence: missense variant.
Genome position (GRCh38, 1-based): chr17:80,117,015, G>C. VCF-style: chr17-80117015-G-C. GRCh37 (hg19) VCF-style: chr17-78090814-G-C.
Other names: NM_000152.5(GAA):c.2237G>C; c.2237G>C, p.Trp746Ser (NM_001079803.3, NM_001079804.3); c.2237G>C (NM_001079804.2); short protein forms W746S.
Identifiers: ClinVar variation 188484 (VCV000188484.58), dbSNP rs752921215, ClinGen allele CA198797.